The following is an entry in ClinVar:

ClinVar aggregate classification (germline): Uncertain significance (1 of 4 stars; one submission).

Submission:

CeGaT Center for Human Genetics Tuebingen
Classification: Uncertain significance. Last evaluated: 2026-09-01. Review status: criteria provided, single submitter. Criteria: CeGaT Center For Human Genetics Tuebingen Variant Classification Criteria Version 2. Collection method: clinical testing. Allele origin: germline. Affected: yes. Observed: 1 variant allele.
Comment: ABCA1: PM2

NM_005502.4(ABCA1):c.1506G>A (p.Met502Ile)

Gene: ABCA1 (ATP binding cassette subfamily A member 1; minus strand). Cytogenetic location: 9q31.1.
Variant type: single nucleotide variant.
Coding change: c.1506G>A on transcript NM_005502.4 (MANE Select); coding-DNA position 1506, G replaced by A.
Protein change: p.Met502Ile; replaces methionine 502 with isoleucine.
Molecular consequence: missense variant.
Genome position (GRCh38, 1-based): chr9:104,832,577, C>T on the plus strand (G>A on the coding strand, the complement: ABCA1 is on the minus strand). VCF-style: chr9-104832577-C-T. GRCh37 (hg19) VCF-style: chr9-107594858-C-T.
Other names: short protein forms M502I.
Identifiers: ClinVar variation 5041465 (VCV005041465.1).